The following is an entry in ClinVar:

ClinVar aggregate classification (germline): Uncertain significance (1 of 4 stars; one submission).

gnomAD v4.1: 1 of 1,539,366 alleles (0.000065%); highest among the groups gnomAD compares: East Asian, 0.0025%; no homozygotes.

Submission:

GeneDx
Classification: Uncertain significance. Last evaluated: 2025-08-10. Review status: criteria provided, single submitter. Criteria: GeneDx Variant Classification Process June 2021. Collection method: clinical testing. Allele origin: germline. Affected: yes.
Comment: Not observed at significant frequency in large population cohorts (gnomAD); In silico analysis suggests that this missense variant does not alter protein structure/function; Has not been previously published as pathogenic or benign to our knowledge

NM_000551.4(VHL):c.84C>G (p.Asp28Glu)

Gene: VHL (von Hippel-Lindau tumor suppressor; plus strand). Cytogenetic location: 3p25.3.
Variant type: single nucleotide variant.
Coding change: c.84C>G on transcript NM_000551.4 (MANE Select); coding-DNA position 84, C replaced by G.
Protein change: p.Asp28Glu; replaces aspartic acid 28 with glutamic acid.
Molecular consequence: missense variant. On other transcripts: non-coding transcript variant (1).
Genome position (GRCh38, 1-based): chr3:10,141,931, C>G. VCF-style: chr3-10141931-C-G. GRCh37 (hg19) VCF-style: chr3-10183615-C-G.
Other names: c.84C>G, p.Asp28Glu (NM_001354723.2, NM_198156.3); short protein forms D28E.
Identifiers: ClinVar variation 4795668 (VCV004795668.1).